The following is an entry in ClinVar:

NM_004984.4(KIF5A):c.1630C>T (p.Arg544Ter)

Gene: KIF5A (kinesin family member 5A; plus strand). Cytogenetic location: 12q13.3.
Variant type: single nucleotide variant.
Coding change: c.1630C>T on transcript NM_004984.4 (MANE Select); coding-DNA position 1630, C replaced by T.
Protein change: p.Arg544Ter; replaces arginine 544 with a stop codon.
Molecular consequence: nonsense.
Genome position (GRCh38, 1-based): chr12:57,572,640, C>T. VCF-style: chr12-57572640-C-T. GRCh37 (hg19) VCF-style: chr12-57966423-C-T.
Other names: c.1363C>T, p.Arg455Ter (NM_001354705.2); c.1630C>T (NM_004984.2); short protein forms R455*, R544*.
Identifiers: ClinVar variation 3721627 (VCV003721627.3).

ClinVar aggregate classification (germline): Pathogenic/Likely pathogenic. Review status: criteria provided, multiple submitters, no conflicts (2 of 4 stars). 2 submissions from 2 submitters: Pathogenic (1); Likely pathogenic (1). Last evaluated 2025-12-11.

Conditions:
KIF5A-related disorder. Also called: KIF5A-related condition; KIF5A-related disorders.
Spastic paraplegia. Identifiers: MedGen C0037772, HP:0001258.

gnomAD v4.1: 1 of 1,614,190 alleles (0.000062%); no homozygotes.

Submissions (2):

PreventionGenetics, part of Exact Sciences
Classification: Likely pathogenic for KIF5A-related condition. Last evaluated: 2025-12-11. Review status: criteria provided, single submitter. Criteria: ACMG Guidelines, 2015. Collection method: clinical testing. Allele origin: germline.
Comment: The KIF5A c.1630C>T variant is predicted to result in premature protein termination (p.Arg544*). This variant has not been reported in individuals with KIF5A-related amyotrophic lateral sclerosis in the literature. This variant is reported in 0.0046% of alleles in individuals of European (Finnish) descent in gnomAD. Nonsense variants in KIF5A are expected to be pathogenic. This variant is interpreted as likely pathogenic.

Labcorp Genetics (formerly Invitae), Labcorp
Classification: Pathogenic for Spastic paraplegia. Last evaluated: 2024-09-27. Review status: criteria provided, single submitter. Criteria: Invitae Variant Classification Sherloc (09022015). Collection method: clinical testing. Allele origin: germline.
Comment: This sequence change creates a premature translational stop signal (p.Arg544*) in the KIF5A gene. It is expected to result in an absent or disrupted protein product. Loss-of-function variants in KIF5A are known to be pathogenic (PMID: 26374131). This variant is present in population databases (no rsID available, gnomAD 0.004%). This premature translational stop signal has been observed in individual(s) with amyotrophic lateral sclerosis (PMID: 29566793). Algorithms developed to predict the effect of sequence changes on RNA splicing suggest that this variant may disrupt the consensus splice site. For these reasons, this variant has been classified as Pathogenic.

Literature cited by the submitters: PubMed 26374131 (cited by Labcorp Genetics (formerly Invitae), Labcorp); PubMed 29566793 (cited by Labcorp Genetics (formerly Invitae), Labcorp).